The following is an entry in ClinVar:

ClinVar aggregate classification (germline): Uncertain significance (1 of 4 stars; one submission).

gnomAD v4.1: 6 of 1,613,770 alleles (0.00037%); highest among the groups gnomAD compares: Non-Finnish European, 0.00042%; no homozygotes.

Submission:

Labcorp Genetics (formerly Invitae), Labcorp
Classification: Uncertain significance. Last evaluated: 2024-11-05. Review status: criteria provided, single submitter. Criteria: Invitae Variant Classification Sherloc (09022015). Collection method: clinical testing. Allele origin: germline.
Comment: This sequence change replaces arginine, which is basic and polar, with leucine, which is neutral and non-polar, at codon 425 of the DEF6 protein (p.Arg425Leu). This variant is present in population databases (rs766579626, gnomAD 0.002%). This variant has not been reported in the literature in individuals affected with DEF6-related conditions. ClinVar contains an entry for this variant (Variation ID: 1403042). An algorithm developed to predict the effect of missense changes on protein structure and function (PolyPhen-2) suggests that this variant is likely to be tolerated. In summary, the available evidence is currently insufficient to determine the role of this variant in disease. Therefore, it has been classified as a Variant of Uncertain Significance.

NM_022047.4(DEF6):c.1274G>T (p.Arg425Leu)

Gene: DEF6 (DEF6 guanine nucleotide exchange factor; plus strand). Cytogenetic location: 6p21.31.
Variant type: single nucleotide variant.
Coding change: c.1274G>T on transcript NM_022047.4 (MANE Select); coding-DNA position 1274, G replaced by T.
Protein change: p.Arg425Leu; replaces arginine 425 with leucine.
Molecular consequence: missense variant.
Genome position (GRCh38, 1-based): chr6:35,319,582, G>T. VCF-style: chr6-35319582-G-T. GRCh37 (hg19) VCF-style: chr6-35287359-G-T.
Other names: short protein forms R425L.
Identifiers: ClinVar variation 1403042 (VCV001403042.6), dbSNP rs766579626, ClinGen allele CA3770910.
Genomic context (GRCh38, chr6:35,319,582, plus strand): 5'-AGGCCCGGGCCTCCATGCAGGCTGAGATGGAGCTGAAGGAGGAGGAGGCTGCCCGGCAGC[G>T]GCAGCGCATCAAGGAGCTGGAGGAGATGCAGCAGCGGTTGCAGGAGGCCCTGCAACTAGA-3'
Protein context (NP_071330.3, residues 415-435): ELKEEEAARQ[Arg425Leu]QRIKELEEMQ